The following is an entry in ClinVar:

ClinVar aggregate classification (germline): Uncertain significance (1 of 4 stars; one submission).

Conditions:
Intellectual developmental disorder, X-linked, syndromic, Turner type. Also called: X-linked intellectual disability, Turner type; Intellectual disability, X-linked syndromic, Turner type. Identifiers: Orphanet 3056, Orphanet 85328, MedGen C2678046, MONDO:0010407, OMIM 309590.

Allele frequency attached by ClinVar (database versions not stated): gnomAD exomes below 0.00001.
gnomAD v4.1: 1 of 1,167,024 alleles (0.000086%); highest among the groups gnomAD compares: Non-Finnish European, 0.00012%; no homozygotes.

Submission:

Centre of Medical Genetics, University Hospital Muenster
Classification: Uncertain significance for Intellectual developmental disorder, X-linked, syndromic, Turner type. Last evaluated: 2022-11-08. Review status: criteria provided, single submitter. Criteria: ACMG Guidelines, 2015. Collection method: clinical testing. Allele origin: unknown. Affected: yes. Observed: 1 variant allele.
Comment: ACMG categories: PM2,PP3

NM_031407.7(HUWE1):c.2281C>T (p.Arg761Cys)

Gene: HUWE1 (HECT, UBA and WWE domain containing E3 ubiquitin protein ligase 1; minus strand). Cytogenetic location: Xp11.22.
Variant type: single nucleotide variant.
Coding change: c.2281C>T on transcript NM_031407.7 (MANE Select); coding-DNA position 2281, C replaced by T.
Protein change: p.Arg761Cys; replaces arginine 761 with cysteine.
Molecular consequence: missense variant.
Genome position (GRCh38, 1-based): chrX:53,608,890, G>A on the plus strand (C>T on the coding strand, the complement: HUWE1 is on the minus strand). VCF-style: chrX-53608890-G-A. GRCh37 (hg19) VCF-style: chrX-53635851-G-A.
Other names: short protein forms R761C.
Identifiers: ClinVar variation 2430345 (VCV002430345.2), dbSNP rs2527099021, ClinGen allele CA413182135.